The following is an entry in ClinVar:

ClinVar aggregate classification (germline): Likely pathogenic (1 of 4 stars; one submission).

Conditions:
Inborn genetic diseases. Identifiers: MedGen C0950123, MeSH D030342.

Allele frequency attached by ClinVar (database versions not stated): gnomAD exomes below 0.00001; TOPMed below 0.00001; gnomAD 0.00001.
gnomAD v4.1: 2 of 1,599,012 alleles (0.00013%); highest among the groups gnomAD compares: Non-Finnish European, 0.00017%; no homozygotes.

Submission:

Ambry Genetics
Classification: Likely pathogenic for Inborn genetic diseases. Last evaluated: 2023-10-20. Review status: criteria provided, single submitter. Criteria: Ambry Variant Classification Scheme 2023. Collection method: clinical testing. Allele origin: germline.
Comment: The c.55C>T (p.Q19*) alteration, located in exon 1 (coding exon 1) of the COQ4 gene, consists of a C to T substitution at nucleotide position 55. This changes the amino acid from a glutamine (Q) to a stop codon at amino acid position 19. The predicted stop codon occurs in the 5' end of the COQ4 gene. Premature termination codons in the 5&rsquo; end of a gene have been reported to escape nonsense-mediated mRNA decay and/or lead to re-initiation (Rivas, 2015; Lindeboom, 2016; Rhee, 2017). Direct evidence for this alteration is unavailable; however, premature termination codons are typically deleterious in nature. This variant was not reported in population-based cohorts in the Genome Aggregation Database (gnomAD). Based on the available evidence, this alteration is classified as likely pathogenic.

Literature cited by the submitters: PubMed 25954003; PubMed 27618451; PubMed 28490743.

NM_016035.5(COQ4):c.55C>T (p.Gln19Ter)

Gene: COQ4 (coenzyme Q4; plus strand). Cytogenetic location: 9q34.11.
Variant type: single nucleotide variant.
Coding change: c.55C>T on transcript NM_016035.5 (MANE Select); coding-DNA position 55, C replaced by T.
Protein change: p.Gln19Ter; replaces glutamine 19 with a stop codon.
Molecular consequence: nonsense.
Genome position (GRCh38, 1-based): chr9:128,322,913, C>T. VCF-style: chr9-128322913-C-T. GRCh37 (hg19) VCF-style: chr9-131085192-C-T.
Other names: c.55C>T, p.Gln19Ter (NM_001305942.2); short protein forms Q19*.
Identifiers: ClinVar variation 3076320 (VCV003076320.1), dbSNP rs1832230836, ClinGen allele CA375017088.
Genomic context (GRCh38, chr9:128,322,913, plus strand): 5'-GCTGCCATGGCGACTCTGCTGCGCCCTGTCCTCCGTCGGCTCTGCGGGCTCCCGGGCCTA[C>T]AGCGGCCTGCGGCAGGCAAGTGGCGCCGGGTTCTGGGCGCAGGCGGGAAGGAGCCTGAGG-3'